The following is an entry in ClinVar:

ClinVar aggregate classification (germline): Uncertain significance (1 of 4 stars; one submission).

gnomAD v4.1: 1 of 1,593,734 alleles (0.000063%); highest among the groups gnomAD compares: Admixed American, 0.0017%; no homozygotes.

Submission:

Labcorp Genetics (formerly Invitae), Labcorp
Classification: Uncertain significance. Last evaluated: 2025-09-22. Review status: criteria provided, single submitter. Criteria: Invitae Variant Classification Sherloc (09022015). Collection method: clinical testing. Allele origin: germline.
Comment: This sequence change replaces isoleucine, which is neutral and non-polar, with valine, which is neutral and non-polar, at codon 233 of the PROM1 protein (p.Ile233Val). This variant is not present in population databases (gnomAD no frequency). This variant has not been reported in the literature in individuals affected with PROM1-related conditions. An algorithm developed to predict the effect of missense changes on protein structure and function outputs the following: PolyPhen-2: "Benign". The valine amino acid residue is found in multiple mammalian species, which suggests that this missense change does not adversely affect protein function. In summary, the available evidence is currently insufficient to determine the role of this variant in disease. Therefore, it has been classified as a Variant of Uncertain Significance.

NM_006017.3(PROM1):c.697A>G (p.Ile233Val)

Gene: PROM1 (prominin 1; minus strand). Cytogenetic location: 4p15.32.
Variant type: single nucleotide variant.
Coding change: c.697A>G on transcript NM_006017.3 (MANE Select); coding-DNA position 697, A replaced by G.
Protein change: p.Ile233Val; replaces isoleucine 233 with valine.
Molecular consequence: missense variant. On other transcripts: non-coding transcript variant (2).
Genome position (GRCh38, 1-based): chr4:16,023,413, T>C on the plus strand (A>G on the coding strand, the complement: PROM1 is on the minus strand). VCF-style: chr4-16023413-T-C. GRCh37 (hg19) VCF-style: chr4-16025036-T-C.
Other names: c.670A>G, p.Ile224Val (NM_001371408.1, NM_001441173.1, NM_001441175.1 and 9 more transcripts); c.586A>G, p.Ile196Val (NM_001441174.1); c.331A>G, p.Ile111Val (NM_001441179.1); c.697A>G, p.Ile233Val (NM_001145849.2, NM_001145850.2); short protein forms I224V, I111V, I196V, I233V.
Identifiers: ClinVar variation 4761657 (VCV004761657.1).